The following is an entry in ClinVar:

ClinVar aggregate classification (germline): Likely pathogenic. Review status: criteria provided, multiple submitters, no conflicts (2 of 4 stars). 4 submissions from 4 submitters: Likely pathogenic (4). Last evaluated 2025-11-03.

Conditions:
Hereditary cancer-predisposing syndrome. Also called: Tumor predisposition; Hereditary neoplastic syndrome; Neoplastic Syndromes, Hereditary; Hereditary Cancer Syndrome. Identifiers: Orphanet 140162, MedGen C0027672, MeSH D009386, MONDO:0015356.
Familial cancer of breast. Also called: Hereditary breast cancer; BREAST CANCER, FAMILIAL; hereditary breast carcinoma. Identifiers: Orphanet 227535, MedGen C0346153, MONDO:0016419, OMIM 114480. Disease mechanism: loss of function.

Submissions (4):

Ambry Genetics
Classification: Likely pathogenic for Hereditary cancer-predisposing syndrome. Last evaluated: 2025-11-03. Review status: criteria provided, single submitter. Criteria: Ambry Variant Classification Scheme 2023. Collection method: clinical testing. Allele origin: germline.
Comment: The c.1396-1G>C intronic variant results from a G to C substitution one nucleotide upstream from coding exon 6 of the BARD1 gene. This nucleotide position is highly conserved in available vertebrate species. This variant is considered to be rare based on population cohorts in the Genome Aggregation Database (gnomAD). In silico splice site analysis predicts that this alteration will weaken the native splice acceptor site and will result in the creation or strengthening of a novel splice acceptor site. RNA studies have demonstrated that this alteration results in abnormal splicing in the set of samples tested (Ambry internal data). Alterations that disrupt the canonical splice site are expected to cause aberrant splicing, resulting in an abnormal protein or a transcript that is subject to nonsense-mediated mRNA decay. As such, this alteration is classified as likely pathogenic.

Labcorp Genetics (formerly Invitae), Labcorp
Classification: Likely pathogenic for Familial cancer of breast. Last evaluated: 2024-04-05. Review status: criteria provided, single submitter. Criteria: Invitae Variant Classification Sherloc (09022015). Collection method: clinical testing. Allele origin: germline.
Comment: This sequence change affects an acceptor splice site in intron 5 of the BARD1 gene. It is expected to disrupt RNA splicing. Variants that disrupt the donor or acceptor splice site typically lead to a loss of protein function (PMID: 16199547), and loss-of-function variants in BARD1 are known to be pathogenic (PMID: 20077502, 21344236). This variant is not present in population databases (gnomAD no frequency). Disruption of this splice site has been observed in individual(s) with breast cancer (PMID: 30130155, 31036035). ClinVar contains an entry for this variant (Variation ID: 2583324). Algorithms developed to predict the effect of sequence changes on RNA splicing suggest that this variant may disrupt the consensus splice site. In summary, the currently available evidence indicates that the variant is pathogenic, but additional data are needed to prove that conclusively. Therefore, this variant has been classified as Likely Pathogenic.

Myriad Genetics, Inc.
Classification: Likely pathogenic for Familial cancer of breast. Last evaluated: 2023-05-23. Review status: criteria provided, single submitter. Criteria: Myriad Autosomal Dominant, Autosomal Recessive and X-Linked Classification Criteria (2023). Collection method: clinical testing. Allele origin: unknown.
Comment: This variant is considered likely pathogenic. This variant occurs within a consensus splice junction and is predicted to result in abnormal mRNA splicing of either an out-of-frame exon or an in-frame exon necessary for protein stability and/or normal function.

Baylor Genetics
Classification: Likely pathogenic for Familial cancer of breast. Last evaluated: 2022-10-07. Review status: criteria provided, single submitter. Criteria: ACMG Guidelines, 2015. Collection method: clinical testing. Allele origin: unknown.

Literature cited by the submitters: PubMed 16199547 (cited by Labcorp Genetics (formerly Invitae), Labcorp); PubMed 20077502 (cited by Labcorp Genetics (formerly Invitae), Labcorp); PubMed 21344236 (cited by Labcorp Genetics (formerly Invitae), Labcorp); PubMed 30130155 (cited by Labcorp Genetics (formerly Invitae), Labcorp); PubMed 31036035 (cited by Labcorp Genetics (formerly Invitae), Labcorp).

NM_000465.4(BARD1):c.1396-1G>C

Gene: BARD1 (BRCA1 associated RING domain 1; minus strand). Cytogenetic location: 2q35.
Variant type: single nucleotide variant.
Coding change: c.1396-1G>C on transcript NM_000465.4 (MANE Select); the canonical splice acceptor site of the intron before coding-DNA position 1396, G replaced by C.
Molecular consequence: splice acceptor variant. On other transcripts: intron variant (3).
Genome position (GRCh38, 1-based): chr2:214,767,655, C>G on the plus strand (G>C on the coding strand, the complement: BARD1 is on the minus strand). VCF-style: chr2-214767655-C-G. GRCh37 (hg19) VCF-style: chr2-215632379-C-G.
Other names: c.159-15100G>C (NM_001282548.2); c.1339-1G>C (NM_001282543.2); c.216-15100G>C (NM_001282545.2); c.364+24642G>C (NM_001282549.2); c.1396-1G>C (NM_000465.2).
Identifiers: ClinVar variation 2583324 (VCV002583324.7), dbSNP rs2106077292, ClinGen allele CA350448966.